The following is an entry in ClinVar:

NM_001100.4(ACTA1):c.287T>C (p.Leu96Pro)

Gene: ACTA1 (actin alpha 1, skeletal muscle; minus strand). Cytogenetic location: 1q42.13.
Variant type: single nucleotide variant.
Coding change: c.287T>C on transcript NM_001100.4 (MANE Select); coding-DNA position 287, T replaced by C.
Protein change: p.Leu96Pro; replaces leucine 96 with proline.
Molecular consequence: missense variant.
Genome position (GRCh38, 1-based): chr1:229,432,723, A>G on the plus strand (T>C on the coding strand, the complement: ACTA1 is on the minus strand). VCF-style: chr1-229432723-A-G. GRCh37 (hg19) VCF-style: chr1-229568470-A-G.
Other names: L94P; short protein forms L96P.
Identifiers: ClinVar variation 18279 (VCV000018279.9), dbSNP rs121909519, ClinGen allele CA258130.

ClinVar aggregate classification (germline): Pathogenic/Likely pathogenic. Review status: criteria provided, multiple submitters, no conflicts (2 of 4 stars). 3 submissions from 3 submitters: Pathogenic (1); Likely pathogenic (1). 1 of the submissions does not count toward it. Last evaluated 2022-08-09.

Conditions:
Congenital myopathy 2b, severe infantile, autosomal recessive (CMYO2B). Identifiers: MedGen C5830300, MONDO:0859517, OMIM 620265.
ACTA1-related myopathies.
Actin accumulation myopathy (CMYO2A). Also called: CONGENITAL MYOPATHY 2A, TYPICAL, AUTOSOMAL DOMINANT; Nemaline myopathy type 3; Myopathy, actin, congenital, with excess of thin myofilaments; Myopathy, actin, congenital, with cores; Nemaline myopathy 3, with intranuclear rods. Identifiers: Orphanet 98904, MedGen C3711389, MONDO:0008070, OMIM 161800.

Allele frequency attached by ClinVar (database versions not stated): gnomAD 0.00001; gnomAD exomes 0.00001; TOPMed 0.00001.

Submissions (3):

Labcorp Genetics (formerly Invitae), Labcorp
Classification: Pathogenic for Actin accumulation myopathy. Last evaluated: 2022-08-09. Review status: criteria provided, single submitter. Criteria: Invitae Variant Classification Sherloc (09022015). Collection method: clinical testing. Allele origin: germline.
Comment: For these reasons, this variant has been classified as Pathogenic. Experimental studies have shown that this missense change affects ACTA1 function (PMID: 15226407). Advanced modeling of protein sequence and biophysical properties (such as structural, functional, and spatial information, amino acid conservation, physicochemical variation, residue mobility, and thermodynamic stability) performed at Invitae indicates that this missense variant is expected to disrupt ACTA1 protein function. ClinVar contains an entry for this variant (Variation ID: 18279). This variant is also known as Leu94Pro, L94P. This missense change has been observed in individual(s) with autosomal recessive nemaline myopathy (PMID: 10508519). In at least one individual the data is consistent with being in trans (on the opposite chromosome) from a pathogenic variant. It has also been observed to segregate with disease in related individuals. This variant is not present in population databases (gnomAD no frequency). This sequence change replaces leucine, which is neutral and non-polar, with proline, which is neutral and non-polar, at codon 96 of the ACTA1 protein (p.Leu96Pro).

Rady Children's Institute for Genomic Medicine, Rady Children's Hospital San Diego
Classification: Likely pathogenic for ACTA1-related myopathies. Last evaluated: 2020-08-28. Review status: criteria provided, single submitter. Criteria: ACMG Guidelines, 2015. Collection method: clinical testing. Allele origin: germline. Affected: yes.
Comment: This variant is historically referred to as p.Leu94Pro in the literature (PMID: 15226407, 10508519). This variant has been previously reported as a compound heterozygous change in-trans configuration with another missense variant (c.782A>T, p.Glu259Val) in two siblings with severe nemaline myopathy, and it was present in the heterozygous state in their unaffected sibling and parent (PMID: 15226407). In vitro studies using reticulocyte lysates showed that the mutant p.Leu96Pro (named L94P) (as well as the p.Glu259Val, named E259V) remained bound to cytosolic chaperonin (CCT) and prefoldin, and demonstrated absent folded actin (PMID: 10508519). The c.287T>C (p.Leu96Pro) variant is absent from the gnomAD population database and thus is presumed to be rare. This variant affects a highly conserved amino acid and is predicted by multiple in silico tools to have a deleterious effect on protein function. Based on the available evidence, the c.287T>C (p.Leu96Pro) variant is classified as Likely Pathogenic.

OMIM
Classification: Pathogenic for CONGENITAL MYOPATHY 2B, SEVERE INFANTILE, AUTOSOMAL RECESSIVE. Last evaluated: 1999-10-01. Review status: no assertion criteria provided. Collection method: literature only. Allele origin: germline. Not counted in ClinVar's aggregate classification.

Literature cited by the submitters: PubMed 15226407 (cited by Labcorp Genetics (formerly Invitae), Labcorp); PubMed 10508519 (cited by Labcorp Genetics (formerly Invitae), Labcorp and OMIM); PubMed 12921789 (cited by OMIM).